The following is an entry in ClinVar:

NM_002473.6(MYH9):c.1916G>A (p.Arg639Gln)

Gene: MYH9 (myosin heavy chain 9; minus strand). Cytogenetic location: 22q12.3.
Variant type: single nucleotide variant.
Coding change: c.1916G>A on transcript NM_002473.6 (MANE Select); coding-DNA position 1916, G replaced by A.
Protein change: p.Arg639Gln; replaces arginine 639 with glutamine.
Molecular consequence: missense variant.
Genome position (GRCh38, 1-based): chr22:36,306,535, C>T on the plus strand (G>A on the coding strand, the complement: MYH9 is on the minus strand). VCF-style: chr22-36306535-C-T. GRCh37 (hg19) VCF-style: chr22-36702581-C-T.
Other names: short protein forms R639Q.
Identifiers: ClinVar variation 2817166 (VCV002817166.3), dbSNP rs2517977846, ClinGen allele CA411397941.

ClinVar aggregate classification (germline): Uncertain significance (1 of 4 stars; one submission).

Submission:

Labcorp Genetics (formerly Invitae), Labcorp
Classification: Uncertain significance. Last evaluated: 2022-12-07. Review status: criteria provided, single submitter. Criteria: Invitae Variant Classification Sherloc (09022015). Collection method: clinical testing. Allele origin: germline.
Comment: In summary, the available evidence is currently insufficient to determine the role of this variant in disease. Therefore, it has been classified as a Variant of Uncertain Significance. Advanced modeling of protein sequence and biophysical properties (such as structural, functional, and spatial information, amino acid conservation, physicochemical variation, residue mobility, and thermodynamic stability) performed at Invitae indicates that this missense variant is not expected to disrupt MYH9 protein function. This variant has not been reported in the literature in individuals affected with MYH9-related conditions. This variant is not present in population databases (gnomAD no frequency). This sequence change replaces arginine, which is basic and polar, with glutamine, which is neutral and polar, at codon 639 of the MYH9 protein (p.Arg639Gln).